The following is an entry in ClinVar:

ClinVar aggregate classification (germline): Conflicting classifications of pathogenicity. Review status: criteria provided, conflicting classifications (1 of 4 stars). 4 submissions from 4 submitters: Uncertain significance (3); Likely benign (1). Last evaluated 2024-10-16.

Conditions:
Hereditary breast ovarian cancer syndrome. Also called: Hereditary breast and ovarian cancer; Hereditary breast and ovarian cancer syndrome (HBOC); Hereditary breast and/or ovarian cancer syndrome; BRCA1- and BRCA2-Associated Hereditary Breast and Ovarian Cancer; Breast and ovarian cancer; Hereditary breast and ovarian cancer syndrome. Identifiers: Orphanet 145, MedGen C0677776, MeSH D061325, MONDO:0003582. Disease mechanism: loss of function.
Hereditary cancer-predisposing syndrome. Also called: Neoplastic Syndromes, Hereditary; Tumor predisposition; Hereditary neoplastic syndrome; Hereditary Cancer Syndrome. Identifiers: Orphanet 140162, MedGen C0027672, MeSH D009386, MONDO:0015356.

Submissions (4):

Labcorp Genetics (formerly Invitae), Labcorp
Classification: Uncertain significance for Hereditary breast ovarian cancer syndrome. Last evaluated: 2024-10-16. Review status: criteria provided, single submitter. Criteria: Invitae Variant Classification Sherloc (09022015). Collection method: clinical testing. Allele origin: germline.
Comment: This sequence change replaces glycine, which is neutral and non-polar, with arginine, which is basic and polar, at codon 500 of the BRCA2 protein (p.Gly500Arg). This variant is not present in population databases (gnomAD no frequency). This variant has not been reported in the literature in individuals affected with BRCA2-related conditions. ClinVar contains an entry for this variant (Variation ID: 462235). Invitae Evidence Modeling of protein sequence and biophysical properties (such as structural, functional, and spatial information, amino acid conservation, physicochemical variation, residue mobility, and thermodynamic stability) indicates that this missense variant is not expected to disrupt BRCA2 protein function with a negative predictive value of 95%. In summary, the available evidence is currently insufficient to determine the role of this variant in disease. Therefore, it has been classified as a Variant of Uncertain Significance.

GeneDx
Classification: Uncertain significance. Last evaluated: 2024-07-17. Review status: criteria provided, single submitter. Criteria: GeneDx Variant Classification Process June 2021. Collection method: clinical testing. Allele origin: germline.
Comment: Not observed at significant frequency in large population cohorts (gnomAD); In silico analysis indicates that this missense variant does not alter protein structure/function; Has not been previously published as pathogenic or benign to our knowledge; Also known as 1726G>C; This variant is associated with the following publications: (PMID: 31131967)

University of Washington Department of Laboratory Medicine, University of Washington
Classification: Likely benign for Hereditary cancer-predisposing syndrome. Last evaluated: 2023-03-23. Review status: criteria provided, single submitter. Criteria: Dines et al. (Genet Med. 2020). Collection method: curation. Allele origin: germline.
Comment: Missense variant in a coldspot region where missense variants are very unlikely to be pathogenic (PMID:31911673).

BRCA2 exon 10 coldspot. Reclassification based on statistical prior probability.

Ambry Genetics
Classification: Uncertain significance for Hereditary cancer-predisposing syndrome. Last evaluated: 2022-12-09. Review status: criteria provided, single submitter. Criteria: Ambry Variant Classification Scheme 2023. Collection method: clinical testing. Allele origin: germline.
Comment: The p.G500R variant (also known as c.1498G>C), located in coding exon 9 of the BRCA2 gene, results from a G to C substitution at nucleotide position 1498. The glycine at codon 500 is replaced by arginine, an amino acid with dissimilar properties. This amino acid position is not well conserved in available vertebrate species. In addition, this alteration is predicted to be tolerated by in silico analysis. Since supporting evidence is limited at this time, the clinical significance of this alteration remains unclear.

NM_000059.4(BRCA2):c.1498G>C (p.Gly500Arg)

Gene: BRCA2 (BRCA2 DNA repair associated; plus strand). Cytogenetic location: 13q13.1.
Variant type: single nucleotide variant.
Coding change: c.1498G>C on transcript NM_000059.4 (MANE Select); coding-DNA position 1498, G replaced by C.
Protein change: p.Gly500Arg; replaces glycine 500 with arginine.
Molecular consequence: missense variant.
Genome position (GRCh38, 1-based): chr13:32,332,976, G>C. VCF-style: chr13-32332976-G-C. GRCh37 (hg19) VCF-style: chr13-32907113-G-C.
Other names: short protein forms G500R.
Identifiers: ClinVar variation 462235 (VCV000462235.16), dbSNP rs1233016217, ClinGen allele CA387764477.